The following is an entry in ClinVar:

ClinVar aggregate classification (germline): Pathogenic (1 of 4 stars; one submission).

Submission:

Labcorp Genetics (formerly Invitae), Labcorp
Classification: Pathogenic. Last evaluated: 2022-07-07. Review status: criteria provided, single submitter. Criteria: Invitae Variant Classification Sherloc (09022015). Collection method: clinical testing. Allele origin: germline.
Comment: For these reasons, this variant has been classified as Pathogenic. This variant has not been reported in the literature in individuals affected with SORL1-related conditions. A gross deletion of the genomic region encompassing the full coding sequence of the SORL1 gene has been identified. Loss-of-function variants in SORL1 are known to be pathogenic (PMID: 26303663, 27026413). The boundaries of this event are unknown as they extend beyond the assayed region for this gene and therefore may encompass additional genes.

Literature cited by the submitters: PubMed 26303663; PubMed 27026413.

NC_000011.9:g.(?_121323041)_(121500272_?)del

Gene: SORL1 (sortilin related receptor 1; plus strand). Cytogenetic location: 11q24.1.
Variant type: Deletion.
Identifiers: ClinVar variation 2424626 (VCV002424626.4).